The following is an entry in ClinVar:

NM_000051.4(ATM):c.5762+3A>G

Gene: ATM (ATM serine/threonine kinase; plus strand). Cytogenetic location: 11q22.3.
Variant type: single nucleotide variant.
Coding change: c.5762+3A>G on transcript NM_000051.4 (MANE Select); 3 bases into the intron after coding-DNA position 5762, A replaced by G.
Molecular consequence: intron variant.
Genome position (GRCh38, 1-based): chr11:108,307,987, A>G. VCF-style: chr11-108307987-A-G. GRCh37 (hg19) VCF-style: chr11-108178714-A-G.
Other names: c.5762+3A>G (NM_001351834.2).
Identifiers: ClinVar variation 5032218 (VCV005032218.1).
Genomic context (GRCh38, chr11:108,307,987, plus strand): 5'-ATAAAAAATCACAAAGAACAATGCTTGCTGTTGTGGACTACATGAGAAGACAAAAGAGGT[A>G]ATGTAATGAGTGTTGCTTCTTACGTTTAGGATCTAGAGTGTAACTTGTTAACTATCGGCT-3'

ClinVar aggregate classification (germline): Uncertain significance (1 of 4 stars; one submission).

Conditions:
Hereditary cancer-predisposing syndrome. Also called: Neoplastic Syndromes, Hereditary; Tumor predisposition; Hereditary neoplastic syndrome; Hereditary Cancer Syndrome. Identifiers: Orphanet 140162, MedGen C0027672, MeSH D009386, MONDO:0015356.

Submission:

Ambry Genetics
Classification: Uncertain significance for Hereditary cancer-predisposing syndrome. Last evaluated: 2026-08-31. Review status: criteria provided, single submitter. Criteria: Ambry Variant Classification Scheme 2023. Collection method: clinical testing. Allele origin: germline.
Comment: The c.5762+3A>G intronic variant results from an A to G substitution 3 nucleotides after coding exon 37 in the ATM gene. This nucleotide position is highly conserved in available vertebrate species. In silico splice site analysis predicts that this alteration may weaken the native splice donor site; however, direct evidence is insufficient at this time (Ambry internal data). Based on the available evidence, the clinical significance of this variant remains unclear.